The following is an entry in ClinVar:

NC_000002.11:g.(?_32288901)_(32289335_?)dup

Gene: SPAST (spastin; plus strand). Cytogenetic location: 2p22.3.
Variant type: Duplication.
Identifiers: ClinVar variation 2426009 (VCV002426009.4).

ClinVar aggregate classification (germline): Uncertain significance (1 of 4 stars; one submission).

Conditions:
Hereditary spastic paraplegia 4. Also called: Spastic paraplegia 4, autosomal dominant; Spastic Paraplegia 4; Familial spastic paraplegia autosomal dominant 2. Identifiers: Orphanet 100985, MedGen C1866855, MONDO:0008438, OMIM 182601.

Submission:

Labcorp Genetics (formerly Invitae), Labcorp
Classification: Uncertain significance for Hereditary spastic paraplegia 4. Last evaluated: 2022-10-17. Review status: criteria provided, single submitter. Criteria: Invitae Variant Classification Sherloc (09022015). Collection method: clinical testing. Allele origin: germline.
Comment: In summary, the available evidence is currently insufficient to determine the role of this variant in disease. Therefore, it has been classified as a Variant of Uncertain Significance. Experimental studies and prediction algorithms are not available or were not evaluated, and the functional significance of this variant is currently unknown. A similar copy number variant has been observed in individual(s) with hereditary spastic paraplegia (PMID: 28572275). This variant results in a copy number gain of the genomic region encompassing exon(s) 1 of the SPAST gene. This region includes the initiator codon of the gene. This copy number gain extends beyond the assayed region for this gene and therefore may encompass additional genes. As the precise location of this event is unknown, it may be in tandem or it may be located elsewhere in the genome.

Literature cited by the submitters: PubMed 28572275.